The following is an entry in ClinVar:

NM_001194998.2(CEP152):c.2681C>T (p.Ser894Phe)

Gene: CEP152 (centrosomal protein 152; minus strand). Cytogenetic location: 15q21.1.
Variant type: single nucleotide variant.
Coding change: c.2681C>T on transcript NM_001194998.2 (MANE Select); coding-DNA position 2681, C replaced by T.
Protein change: p.Ser894Phe; replaces serine 894 with phenylalanine.
Molecular consequence: missense variant.
Genome position (GRCh38, 1-based): chr15:48,760,148, G>A on the plus strand (C>T on the coding strand, the complement: CEP152 is on the minus strand). VCF-style: chr15-48760148-G-A. GRCh37 (hg19) VCF-style: chr15-49052345-G-A.
Other names: c.2681C>T, p.Ser894Phe (NM_014985.4); c.2681C>T (NM_001194998.1); short protein forms S894F.
Identifiers: ClinVar variation 158245 (VCV000158245.21), dbSNP rs145138194, ClinGen allele CA211035.

ClinVar aggregate classification (germline): Conflicting classifications of pathogenicity. Review status: criteria provided, conflicting classifications (1 of 4 stars). 6 submissions from 5 submitters: Uncertain significance (1); Benign (2); Likely benign (2). 1 of the submissions does not count toward it. Last evaluated 2025-12-08.

Conditions:
CEP152-related disorder. Also called: CEP152-related condition; CEP152-related disorders. Identifiers: MedGen CN239248.
Microcephaly 9, primary, autosomal recessive. Identifiers: Orphanet 2512, MedGen C3553886, MONDO:0013923, OMIM 614852.
Seckel syndrome 5 (SCKL5). Identifiers: Orphanet 808, MedGen C3151187, MONDO:0013443, OMIM 613823.

Allele frequency attached by ClinVar (database versions not stated): gnomAD 0.00034 and 0.00046; gnomAD exomes 0.00037 and 0.00109; TOPMed 0.00066; ExAC 0.00108; 1000 Genomes Project 30x 0.00141; 1000 Genomes Project 0.00160.

Submissions (6):

Labcorp Genetics (formerly Invitae), Labcorp
Classification: Benign. Last evaluated: 2025-12-08. Review status: criteria provided, single submitter. Criteria: Invitae Variant Classification Sherloc (09022015). Collection method: clinical testing. Allele origin: germline.

Illumina Laboratory Services, Illumina
Classification: Likely benign for Microcephaly 9, primary, autosomal recessive. Last evaluated: 2018-01-13. Review status: criteria provided, single submitter. Criteria: ICSL Variant Classification Criteria 13 December 2019. Collection method: clinical testing. Allele origin: germline.
Comment: This variant was observed in the ICSL laboratory as part of a predisposition screen in an ostensibly healthy population. It had not been previously curated by ICSL or reported in the Human Gene Mutation Database (HGMD: prior to June 1st, 2018), and was therefore a candidate for classification through an automated scoring system. Utilizing variant allele frequency, disease prevalence and penetrance estimates, and inheritance mode, an automated score was calculated to assess if this variant is too frequent to cause the disease. Based on the score and internal cut-off values, a variant classified as likely benign is not then subjected to further curation. The score for this variant resulted in a classification of likely benign for this disease.

Illumina Laboratory Services, Illumina
Classification: Benign for Seckel syndrome 5. Last evaluated: 2018-01-13. Review status: criteria provided, single submitter. Criteria: ICSL Variant Classification Criteria 13 December 2019. Collection method: clinical testing. Allele origin: germline.
Comment: This variant was observed in the ICSL laboratory as part of a predisposition screen in an ostensibly healthy population. It had not been previously curated by ICSL or reported in the Human Gene Mutation Database (HGMD: prior to June 1st, 2018), and was therefore a candidate for classification through an automated scoring system. Utilizing variant allele frequency, disease prevalence and penetrance estimates, and inheritance mode, an automated score was calculated to assess if this variant is too frequent to cause the disease. Based on the score and internal cut-off values, a variant classified as benign is not then subjected to further curation. The score for this variant resulted in a classification of benign for this disease.

GeneDx
Classification: Likely benign. Last evaluated: 2016-03-28. Review status: criteria provided, single submitter. Criteria: GeneDx Variant Classification (06012015). Collection method: clinical testing. Allele origin: germline. Affected: yes.
Comment: This variant is considered likely benign or benign based on one or more of the following criteria: it is a conservative change, it occurs at a poorly conserved position in the protein, it is predicted to be benign by multiple in silico algorithms, and/or has population frequency not consistent with disease.

Genetic Services Laboratory, University of Chicago
Classification: Uncertain significance for Microcephaly 9, primary, autosomal recessive. Last evaluated: 2013-02-08. Review status: criteria provided, single submitter. Criteria: ACMG Guidelines, 2007. Collection method: clinical testing. Allele origin: germline. Inheritance: Autosomal recessive inheritance.

PreventionGenetics, part of Exact Sciences
Classification: Benign for CEP152-related condition. Last evaluated: 2019-04-26. Review status: no assertion criteria provided. Collection method: clinical testing. Allele origin: germline. Not counted in ClinVar's aggregate classification.
Comment: This variant is classified as benign based on ACMG/AMP sequence variant interpretation guidelines (Richards et al. 2015 PMID: 25741868, with internal and published modifications).